The following is an entry in ClinVar:

ClinVar aggregate classification (germline): Uncertain significance (1 of 4 stars; one submission).

Conditions:
Inborn genetic diseases. Identifiers: MedGen C0950123, MeSH D030342.

Submission:

Ambry Genetics
Classification: Uncertain significance for Inborn genetic diseases. Last evaluated: 2024-03-28. Review status: criteria provided, single submitter. Criteria: Ambry Variant Classification Scheme 2023. Collection method: clinical testing. Allele origin: germline.
Comment: The p.G861S variant (also known as c.2581G>A), located in coding exon 18 of the LTBP3 gene, results from a G to A substitution at nucleotide position 2581. The glycine at codon 861 is replaced by serine, an amino acid with similar properties. This amino acid position is conserved. In addition, the in silico prediction for this alteration is inconclusive. Based on the available evidence, the clinical significance of this alteration remains unclear.

NM_001130144.3(LTBP3):c.2581G>A (p.Gly861Ser)

Gene: LTBP3 (latent transforming growth factor beta binding protein 3; minus strand). Cytogenetic location: 11q13.1.
Variant type: single nucleotide variant.
Coding change: c.2581G>A on transcript NM_001130144.3 (MANE Select); coding-DNA position 2581, G replaced by A.
Protein change: p.Gly861Ser; replaces glycine 861 with serine.
Molecular consequence: missense variant.
Genome position (GRCh38, 1-based): chr11:65,543,120, C>T on the plus strand (G>A on the coding strand, the complement: LTBP3 is on the minus strand). VCF-style: chr11-65543120-C-T. GRCh37 (hg19) VCF-style: chr11-65310591-C-T.
Other names: c.2230G>A, p.Gly744Ser (NM_001164266.1); c.2581G>A, p.Gly861Ser (NM_021070.4); short protein forms G744S, G861S.
Identifiers: ClinVar variation 3292241 (VCV003292241.1).
Genomic context (GRCh38, chr11:65,543,120, plus strand): 5'-GCTCCCTGCCACATCCCTCAGGAACCCTCAGCCAGTCCCCCATACCTTGGCATTTCCTGC[C>T]ACCCACCAGCCGATGCCCCTGGGGGCAAAGACATCTGTAGGAGCCATTGGTATTGATGCA-3'
Protein context (NP_001123616.1, residues 851-871): LCPQGHRLVG[Gly861Ser]RKCQDIDECS